The following is an entry in ClinVar:

ClinVar aggregate classification (germline): Uncertain significance (1 of 4 stars; one submission).

Submission:

Women's Health and Genetics/Laboratory Corporation of America, LabCorp
Classification: Uncertain significance. Last evaluated: 2021-04-26. Review status: criteria provided, single submitter. Criteria: LabCorp Variant Classification Summary - May 2015. Collection method: clinical testing. Allele origin: germline.
Comment: Variant summary: TCAP c.428T>C (p.Val143Ala) results in a non-conservative amino acid change in the encoded protein sequence. Three of five in-silico tools predict a damaging effect of the variant on protein function. The variant was absent in 247320 control chromosomes. The available data on variant occurrences in the general population are insufficient to allow any conclusion about variant significance. To our knowledge, no occurrence of c.428T>C in individuals affected with Cardiomyopathy and no experimental evidence demonstrating its impact on protein function have been reported. No clinical diagnostic laboratories have submitted clinical-significance assessments for this variant to ClinVar after 2014. Based on the evidence outlined above, the variant was classified as uncertain significance.

NM_003673.4(TCAP):c.428T>C (p.Val143Ala)

Gene: TCAP (titin-cap; plus strand). Cytogenetic location: 17q12.
Variant type: single nucleotide variant.
Coding change: c.428T>C on transcript NM_003673.4 (MANE Select); coding-DNA position 428, T replaced by C.
Protein change: p.Val143Ala; replaces valine 143 with alanine.
Molecular consequence: missense variant.
Genome position (GRCh38, 1-based): chr17:39,666,033, T>C. VCF-style: chr17-39666033-T-C. GRCh37 (hg19) VCF-style: chr17-37822286-T-C.
Other names: short protein forms V143A.
Identifiers: ClinVar variation 1098812 (VCV001098812.1), dbSNP rs2145074575, ClinGen allele CA399305853.
Genomic context (GRCh38, chr17:39,666,033, plus strand): 5'-TGGGTGGCCAGTGTGTGGACCGCCAGGAGGTGGCTGAGATCACAAAGCAGCTGCCCCCTG[T>C]GGTGCCTGTCAGCAAGCCCGGTGCACTTCGTCGCTCCCTGTCCCGCTCCATGTCCCAGGA-3'
Protein context (NP_003664.1, residues 133-153): VAEITKQLPP[Val143Ala]VPVSKPGALR